The following is an entry in ClinVar:

NM_024408.4(NOTCH2):c.2092A>G (p.Ile698Val)

Gene: NOTCH2 (notch receptor 2; minus strand). Cytogenetic location: 1p12.
Variant type: single nucleotide variant.
Coding change: c.2092A>G on transcript NM_024408.4 (MANE Select); coding-DNA position 2092, A replaced by G.
Protein change: p.Ile698Val; replaces isoleucine 698 with valine.
Molecular consequence: missense variant.
Genome position (GRCh38, 1-based): chr1:119,955,167, T>C on the plus strand (A>G on the coding strand, the complement: NOTCH2 is on the minus strand). VCF-style: chr1-119955167-T-C. GRCh37 (hg19) VCF-style: chr1-120497790-T-C.
Other names: c.2092A>G, p.Ile698Val (NM_001200001.2); short protein forms I698V.
Identifiers: ClinVar variation 3406946 (VCV003406946.3).

ClinVar aggregate classification (germline): Conflicting classifications of pathogenicity. Review status: criteria provided, conflicting classifications (1 of 4 stars). 2 submissions from 2 submitters: Uncertain significance (1); Likely benign (1). Last evaluated 2025-05-22.

Conditions:
Hajdu-Cheney syndrome (HJCYS). Also called: Acroosteolysis dominant type; ACROOSTEOLYSIS WITH OSTEOPOROSIS AND CHANGES IN SKULL AND MANDIBLE; SERPENTINE FIBULA-POLYCYSTIC KIDNEY SYNDROME. Identifiers: Orphanet 955, MedGen C0917715, MONDO:0007057, OMIM 102500.
Inborn genetic diseases. Identifiers: MedGen C0950123, MeSH D030342.

gnomAD v4.1: 6 of 1,613,956 alleles (0.00037%); highest among the groups gnomAD compares: African/African-American, 0.0053%; no homozygotes.

Submissions (2):

Labcorp Genetics (formerly Invitae), Labcorp
Classification: Uncertain significance for Hajdu-Cheney syndrome. Last evaluated: 2025-05-22. Review status: criteria provided, single submitter. Criteria: Invitae Variant Classification Sherloc (09022015). Collection method: clinical testing. Allele origin: germline.
Comment: This sequence change replaces isoleucine, which is neutral and non-polar, with valine, which is neutral and non-polar, at codon 698 of the NOTCH2 protein (p.Ile698Val). This variant is present in population databases (rs145027507, gnomAD 0.01%). This variant has not been reported in the literature in individuals affected with NOTCH2-related conditions. ClinVar contains an entry for this variant (Variation ID: 3406946). Invitae Evidence Modeling of protein sequence and biophysical properties (such as structural, functional, and spatial information, amino acid conservation, physicochemical variation, residue mobility, and thermodynamic stability) indicates that this missense variant is not expected to disrupt NOTCH2 protein function with a negative predictive value of 80%. In summary, the available evidence is currently insufficient to determine the role of this variant in disease. Therefore, it has been classified as a Variant of Uncertain Significance.

Ambry Genetics
Classification: Likely benign for Inborn genetic diseases. Last evaluated: 2024-10-16. Review status: criteria provided, single submitter. Criteria: Ambry Variant Classification Scheme 2023. Collection method: clinical testing. Allele origin: germline.